The following is an entry in ClinVar:

NM_001370785.2(LRRC7):c.3764C>T (p.Pro1255Leu)

Genes: LRRC7 (leucine rich repeat containing 7; plus strand), LRRC7-AS1 (LRRC7 antisense RNA 1; minus strand). Cytogenetic location: 1p31.1.
Variant type: single nucleotide variant.
Coding change: c.3764C>T on transcript NM_001370785.2 (MANE Select); coding-DNA position 3764, C replaced by T.
Protein change: p.Pro1255Leu; replaces proline 1255 with leucine.
Molecular consequence: missense variant.
Genome position (GRCh38, 1-based): chr1:70,039,588, C>T. VCF-style: chr1-70039588-C-T. GRCh37 (hg19) VCF-style: chr1-70505271-C-T.
Other names: NM_020794.2:c.3650C>T; c.3665C>T, p.Pro1222Leu (NM_001330635.3, NM_001366841.1); c.3767C>T, p.Pro1256Leu (NM_001350216.3); c.3764C>T, p.Pro1255Leu (NM_001366838.3); c.3605C>T, p.Pro1202Leu (NM_001366839.3); short protein forms P1202L, P1222L, P1255L, P1256L.
Identifiers: ClinVar variation 3342737 (VCV003342737.1).

ClinVar aggregate classification (germline): Uncertain significance (1 of 4 stars; one submission).

Submission:

GeneDx
Classification: Uncertain significance. Last evaluated: 2022-11-30. Review status: criteria provided, single submitter. Criteria: GeneDx Variant Classification Process June 2021. Collection method: clinical testing. Allele origin: germline. Affected: yes.
Comment: Not observed at significant frequency in large population cohorts (gnomAD); In silico analysis supports that this missense variant has a deleterious effect on protein structure/function; Has not been previously published as pathogenic or benign to our knowledge; Variants in candidate genes are classified as variants of uncertain significance in accordance with ACMG guidelines (Richards et al., 2015)